The following is an entry in ClinVar:

ClinVar aggregate classification (germline): Uncertain significance. Review status: criteria provided, multiple submitters, no conflicts (2 of 4 stars). 2 submissions from 2 submitters: Uncertain significance (2). Last evaluated 2025-04-07.

Conditions:
Combined oxidative phosphorylation defect type 21. Also called: Combined oxidative phosphorylation deficiency 21. Identifiers: Orphanet 420733, MedGen C4706316, MONDO:0014398, OMIM 615918.

Allele frequency attached by ClinVar (database versions not stated): TOPMed below 0.00001; gnomAD below 0.00001 and 0.00001.
gnomAD v4.1: 6 of 1,613,824 alleles (0.00037%); highest among the groups gnomAD compares: South Asian, 0.0022%; no homozygotes.

Submissions (2):

Labcorp Genetics (formerly Invitae), Labcorp
Classification: Uncertain significance. Last evaluated: 2025-04-07. Review status: criteria provided, single submitter. Criteria: Invitae Variant Classification Sherloc (09022015). Collection method: clinical testing. Allele origin: germline.
Comment: This sequence change replaces arginine, which is basic and polar, with tryptophan, which is neutral and slightly polar, at codon 246 of the TARS2 protein (p.Arg246Trp). This variant is not present in population databases (gnomAD no frequency). This variant has not been reported in the literature in individuals affected with TARS2-related conditions. ClinVar contains an entry for this variant (Variation ID: 1030906). Invitae Evidence Modeling of protein sequence and biophysical properties (such as structural, functional, and spatial information, amino acid conservation, physicochemical variation, residue mobility, and thermodynamic stability) indicates that this missense variant is expected to disrupt TARS2 protein function with a positive predictive value of 80%. In summary, the available evidence is currently insufficient to determine the role of this variant in disease. Therefore, it has been classified as a Variant of Uncertain Significance.

Baylor Genetics
Classification: Uncertain significance for Combined oxidative phosphorylation defect type 21. Last evaluated: 2019-03-29. Review status: criteria provided, single submitter. Criteria: ACMG Guidelines, 2015. Collection method: clinical testing. Allele origin: unknown. Affected: yes.
Comment: This variant was determined to be of uncertain significance according to ACMG Guidelines, 2015 [PMID:25741868].

NM_025150.5(TARS2):c.736C>T (p.Arg246Trp)

Gene: TARS2 (threonyl-tRNA synthetase 2, mitochondrial; plus strand). Cytogenetic location: 1q21.2.
Variant type: single nucleotide variant.
Coding change: c.736C>T on transcript NM_025150.5 (MANE Select); coding-DNA position 736, C replaced by T.
Protein change: p.Arg246Trp; replaces arginine 246 with tryptophan.
Molecular consequence: missense variant. On other transcripts: non-coding transcript variant (2), intron variant (1).
Genome position (GRCh38, 1-based): chr1:150,492,451, C>T. VCF-style: chr1-150492451-C-T. GRCh37 (hg19) VCF-style: chr1-150464927-C-T.
Other names: c.736C>T, p.Arg246Trp (NM_001271895.2); c.630+940C>T (NM_001271896.2); short protein forms R246W.
Identifiers: ClinVar variation 1030906 (VCV001030906.5), dbSNP rs763015481, ClinGen allele CA342322199.